The following is an entry in ClinVar:

NM_170606.3(KMT2C):c.11790C>T (p.Ala3930=)

Gene: KMT2C (lysine methyltransferase 2C; minus strand). Cytogenetic location: 7q36.1.
Variant type: single nucleotide variant.
Coding change: c.11790C>T on transcript NM_170606.3 (MANE Select); coding-DNA position 11790, C replaced by T.
Protein change: p.Ala3930=; no amino-acid change (alanine 3930 retained).
Molecular consequence: synonymous variant.
Genome position (GRCh38, 1-based): chr7:152,156,227, G>A on the plus strand (C>T on the coding strand, the complement: KMT2C is on the minus strand). VCF-style: chr7-152156227-G-A. GRCh37 (hg19) VCF-style: chr7-151853312-G-A.
Identifiers: ClinVar variation 2658199 (VCV002658199.24), dbSNP rs767946417, ClinGen allele CA4578971.

ClinVar aggregate classification (germline): Likely benign (1 of 4 stars; one submission).

Allele frequency attached by ClinVar (database versions not stated): TOPMed 0.00003; ExAC 0.00005; gnomAD 0.00006; 1000 Genomes Project 30x 0.00031.
gnomAD v4.1: 64 of 1,614,072 alleles (0.004%); highest among the groups gnomAD compares: South Asian, 0.021%; no homozygotes.

Submission:

CeGaT Center for Human Genetics Tuebingen
Classification: Likely benign. Last evaluated: 2024-05-01. Review status: criteria provided, single submitter. Criteria: CeGaT Center For Human Genetics Tuebingen Variant Classification Criteria Version 2. Collection method: clinical testing. Allele origin: germline. Affected: yes. Observed: 2 variant alleles.
Comment: KMT2C: BP4, BP7